The following is an entry in ClinVar:

ClinVar aggregate classification (germline): Likely pathogenic (1 of 4 stars; one submission).

Conditions:
Sotos syndrome (SOTOS). Also called: CHROMOSOME 5q35 DELETION SYNDROME; SOTOS SYNDROME 1; CEREBRAL GIGANTISM; Sotos' syndrome; Distinctive facial appearance, overgrowth in childhood, and learning disabilities or delayed development. Identifiers: Orphanet 821, MedGen C0175695, MONDO:0019349, OMIM 117550.

Submission:

Juno Genomics, Hangzhou Juno Genomics, Inc
Classification: Likely pathogenic for Sotos syndrome. Review status: criteria provided, single submitter. Criteria: ACMG Guidelines, 2015. Collection method: clinical testing. Allele origin: germline. Affected: yes.
Comment: Absent from controls (or at extremely low frequency if recessive) in Genome Aggregation Database, Exome Sequencing Project, 1000 Genomes Project, or Exome Aggregation Consortium.;Missense variant in a gene that has a low rate of benign missense variation and where missense variants are a common mechanism of disease.;Multiple lines of computational evidence support a deleterious effect on the gene or gene product (conservation, evolutionary, splicing impact, etc).;Patient's phenotype or family history is highly specific for a disease with a single genetic etiology.;Located in a mutational hot spot and/or critical and well-established functional domain (e.g. active site of an enzyme) without benign variation.

NM_022455.5(NSD1):c.6362G>T (p.Cys2121Phe)

Gene: NSD1 (nuclear receptor binding SET domain protein 1; plus strand). Cytogenetic location: 5q35.3.
Variant type: single nucleotide variant.
Coding change: c.6362G>T on transcript NM_022455.5 (MANE Select); coding-DNA position 6362, G replaced by T.
Protein change: p.Cys2121Phe; replaces cysteine 2121 with phenylalanine.
Molecular consequence: missense variant.
Genome position (GRCh38, 1-based): chr5:177,292,057, G>T. VCF-style: chr5-177292057-G-T. GRCh37 (hg19) VCF-style: chr5-176719058-G-T.
Other names: c.5489G>T, p.Cys1830Phe (NM_001365684.2, NM_001409308.1, NM_172349.5); c.6362G>T, p.Cys2121Phe (NM_001409301.1, NM_001409302.1, NM_001409303.1); c.5942G>T, p.Cys1981Phe (NM_001409304.1); c.5609G>T, p.Cys1870Phe (NM_001409305.1); c.5600G>T, p.Cys1867Phe (NM_001409306.1, NM_001409307.1); c.5240G>T, p.Cys1747Phe (NM_001409309.1); short protein forms C1747F, C1830F, C1867F, C1870F, C1981F, C2121F.
Identifiers: ClinVar variation 3382923 (VCV003382923.2).
Genomic context (GRCh38, chr5:177,292,057, plus strand): 5'-AGAAGCAACAGGGAAAGCGCAGGACCCAGGGTGAAATCACAAAGGAGCGAGAAGATGAGT[G>T]TTTTAGTTGTGGGGATGCTGGCCAGCTCGTCTCCTGCAAGAAACCAGGCTGCCCAAAAGT-3'
Protein context (NP_071900.2, residues 2111-2131): GEITKEREDE[Cys2121Phe]FSCGDAGQLV